The following is an entry in ClinVar:

ClinVar aggregate classification (germline): Uncertain significance. Review status: criteria provided, multiple submitters, no conflicts (2 of 4 stars). 2 submissions from 2 submitters: Uncertain significance (2). Last evaluated 2026-08-04.

Conditions:
Cardiovascular phenotype. Identifiers: MedGen CN230736.

Submissions (2):

Ambry Genetics
Classification: Uncertain significance for Cardiovascular phenotype. Last evaluated: 2026-08-04. Review status: criteria provided, single submitter. Criteria: Ambry Variant Classification Scheme 2023. Collection method: clinical testing. Allele origin: germline.
Comment: The p.H40D variant (also known as c.118C>G), located in coding exon 1 of the CBL gene, results from a C to G substitution at nucleotide position 118. The histidine at codon 40 is replaced by aspartic acid, an amino acid with similar properties. This amino acid position is conserved. In addition, the in silico prediction for this alteration is inconclusive. Based on the available evidence, the clinical significance of this variant remains unclear.

Women's Health and Genetics/Laboratory Corporation of America, LabCorp
Classification: Uncertain significance. Last evaluated: 2019-09-01. Review status: criteria provided, single submitter. Criteria: LabCorp Variant Classification Summary - May 2015. Collection method: clinical testing. Allele origin: germline.
Comment: Variant summary: CBL c.118C>G (p.His40Asp) results in a non-conservative amino acid change in the encoded protein sequence. Three of five in-silico tools predict a benign effect of the variant on protein function. The variant was absent in 155772 control chromosomes. The available data on variant occurrences in the general population are insufficient to allow any conclusion about variant significance. To our knowledge, no occurrence of c.118C>G in individuals affected with Noonan Syndrome and Related Conditions and no experimental evidence demonstrating its impact on protein function have been reported. No clinical diagnostic laboratories have submitted clinical-significance assessments for this variant to ClinVar after 2014. Based on the evidence outlined above, the variant was classified as uncertain significance.

NM_005188.4(CBL):c.118C>G (p.His40Asp)

Genes: CBL (Cbl proto-oncogene; plus strand), LOC130006895 (ATAC-STARR-seq lymphoblastoid silent region 3975; plus strand). Cytogenetic location: 11q23.3.
Variant type: single nucleotide variant.
Coding change: c.118C>G on transcript NM_005188.4 (MANE Select); coding-DNA position 118, C replaced by G.
Protein change: p.His40Asp; replaces histidine 40 with aspartic acid.
Molecular consequence: missense variant.
Genome position (GRCh38, 1-based): chr11:119,206,535, C>G. VCF-style: chr11-119206535-C-G. GRCh37 (hg19) VCF-style: chr11-119077245-C-G.
Other names: c.118C>G (NM_005188.2); short protein forms H40D.
Identifiers: ClinVar variation 928600 (VCV000928600.2), dbSNP rs1949270382, ClinGen allele CA382976267.
Genomic context (GRCh38, chr11:119,206,535, plus strand): 5'-TCGGGTTCGGGTGGCCTGATTGGGCTCATGAAGGACGCCTTCCAGCCGCACCACCACCAC[C>G]ACCACCACCTCAGCCCCCACCCGCCGGGGACGGTGGACAAGAAGATGGTGGAGAAGTGCT-3'
Protein context (NP_005179.2, residues 30-50): KDAFQPHHHH[His40Asp]HHLSPHPPGT